The following is an entry in ClinVar:

ClinVar aggregate classification (germline): Uncertain significance (1 of 4 stars; one submission).

Conditions:
Granulomatous disease, chronic, autosomal recessive, cytochrome b-positive, type 2. Also called: Chronic granulomatous disease due to deficiency of NCF-2; Chronic Granulomatous Disease, Autosomal Recessive, Cytochrome b-Positive, Type II; CGD, AUTOSOMAL RECESSIVE CYTOCHROME b-POSITIVE, TYPE II; GRANULOMATOUS DISEASE, CHRONIC, AUTOSOMAL RECESSIVE, 2; GRANULOMATOUS DISEASE, CHRONIC, DUE TO NCF2 DEFICIENCY. Identifiers: Orphanet 379, MedGen C1856245, MONDO:0009310, OMIM 233710.

Allele frequency attached by ClinVar (database versions not stated): gnomAD exomes below 0.00001; ExAC 0.00001.
gnomAD v4.1: 1 of 1,614,166 alleles (0.000062%); highest among the groups gnomAD compares: Admixed American, 0.0017%; no homozygotes.

Submission:

Labcorp Genetics (formerly Invitae), Labcorp
Classification: Uncertain significance for Granulomatous disease, chronic, autosomal recessive, cytochrome b-positive, type 2. Last evaluated: 2021-04-11. Review status: criteria provided, single submitter. Criteria: Invitae Variant Classification Sherloc (09022015). Collection method: clinical testing. Allele origin: germline.
Comment: Algorithms developed to predict the effect of missense changes on protein structure and function output the following: SIFT: "Tolerated"; PolyPhen-2: "Benign"; Align-GVGD: "Class C0". The valine amino acid residue is found in multiple mammalian species, suggesting that this missense change does not adversely affect protein function. These predictions have not been confirmed by published functional studies and their clinical significance is uncertain. In summary, the available evidence is currently insufficient to determine the role of this variant in disease. Therefore, it has been classified as a Variant of Uncertain Significance. This variant has not been reported in the literature in individuals with NCF2-related conditions. This variant is present in population databases (rs747548282, ExAC 0.009%). This sequence change replaces alanine with valine at codon 447 of the NCF2 protein (p.Ala447Val). The alanine residue is moderately conserved and there is a small physicochemical difference between alanine and valine.

NM_000433.4(NCF2):c.1340C>T (p.Ala447Val)

Gene: NCF2 (neutrophil cytosolic factor 2; minus strand). Cytogenetic location: 1q25.3.
Variant type: single nucleotide variant.
Coding change: c.1340C>T on transcript NM_000433.4 (MANE Select); coding-DNA position 1340, C replaced by T.
Protein change: p.Ala447Val; replaces alanine 447 with valine.
Molecular consequence: missense variant.
Genome position (GRCh38, 1-based): chr1:183,560,224, G>A on the plus strand (C>T on the coding strand, the complement: NCF2 is on the minus strand). VCF-style: chr1-183560224-G-A. GRCh37 (hg19) VCF-style: chr1-183529359-G-A.
Other names: c.1340C>T, p.Ala447Val (NM_001127651.3); c.1097C>T, p.Ala366Val (NM_001190789.2); c.1205C>T, p.Ala402Val (NM_001190794.2); short protein forms A447V, A366V, A402V.
Identifiers: ClinVar variation 1468026 (VCV001468026.8), dbSNP rs747548282, ClinGen allele CA1284606.